The following is an entry in ClinVar:

NM_000051.4(ATM):c.4064C>T (p.Ala1355Val)

Gene: ATM (ATM serine/threonine kinase; plus strand). Cytogenetic location: 11q22.3.
Variant type: single nucleotide variant.
Coding change: c.4064C>T on transcript NM_000051.4 (MANE Select); coding-DNA position 4064, C replaced by T.
Protein change: p.Ala1355Val; replaces alanine 1355 with valine.
Molecular consequence: missense variant.
Genome position (GRCh38, 1-based): chr11:108,287,670, C>T. VCF-style: chr11-108287670-C-T. GRCh37 (hg19) VCF-style: chr11-108158397-C-T.
Other names: c.4064C>T, p.Ala1355Val (NM_001351834.2); short protein forms A1355V.
Identifiers: ClinVar variation 644182 (VCV000644182.9), dbSNP rs1591655990, ClinGen allele CA382528093.
Genomic context (GRCh38, chr11:108,287,670, plus strand): 5'-TATTCATTAGTAATTTACCAGAGATTGTGGTGGAGTTATTGATGACGTTACATGAGCCAG[C>T]AAATTCTAGTGCCAGTCAGAGCACTGACCTCTGTGACTTTTCAGGGTATGTACATTTTAA-3'
Protein context (NP_000042.3, residues 1345-1365): VELLMTLHEP[Ala1355Val]NSSASQSTDL

ClinVar aggregate classification (germline): Uncertain significance. Review status: criteria provided, single submitter (1 of 4 stars). 2 submissions from 2 submitters: Uncertain significance (1). 1 of the submissions does not count toward it. Last evaluated 2024-04-05.

Conditions:
Ataxia-telangiectasia syndrome (AT). Also called: LOUIS-BAR SYNDROME; Ataxia-telangiectasia, complementation group E; Ataxia-telangiectasia, complementation group D; AT, COMPLEMENTATION GROUP C; Ataxia telangiectasia (A-T); Cerebello-oculocutaneous telangiectasia. Identifiers: Orphanet 100, MedGen C0004135, MONDO:0008840, OMIM 208900.

Allele frequency attached by ClinVar (database versions not stated): gnomAD exomes below 0.00001.
gnomAD v4.1: 3 of 1,613,790 alleles (0.00019%); highest among the groups gnomAD compares: Non-Finnish European, 0.00025%; no homozygotes.

Submissions (2):

Labcorp Genetics (formerly Invitae), Labcorp
Classification: Uncertain significance for Ataxia-telangiectasia syndrome. Last evaluated: 2024-04-05. Review status: criteria provided, single submitter. Criteria: Invitae Variant Classification Sherloc (09022015). Collection method: clinical testing. Allele origin: germline.
Comment: This sequence change replaces alanine, which is neutral and non-polar, with valine, which is neutral and non-polar, at codon 1355 of the ATM protein (p.Ala1355Val). This variant is not present in population databases (gnomAD no frequency). This variant has not been reported in the literature in individuals affected with ATM-related conditions. ClinVar contains an entry for this variant (Variation ID: 644182). An algorithm developed to predict the effect of missense changes on protein structure and function (PolyPhen-2) suggests that this variant is likely to be tolerated. In summary, the available evidence is currently insufficient to determine the role of this variant in disease. Therefore, it has been classified as a Variant of Uncertain Significance.

Natera, Inc.
Classification: Uncertain significance for Ataxia-telangiectasia. Last evaluated: 2021-04-12. Review status: no assertion criteria provided. Collection method: clinical testing. Allele origin: germline. Not counted in ClinVar's aggregate classification.